The following is an entry in ClinVar:

NM_000038.6(APC):c.4846A>C (p.Lys1616Gln)

Gene: APC (APC regulator of Wnt signaling pathway; plus strand). Cytogenetic location: 5q22.2.
Variant type: single nucleotide variant.
Coding change: c.4846A>C on transcript NM_000038.6 (MANE Select); coding-DNA position 4846, A replaced by C.
Protein change: p.Lys1616Gln; replaces lysine 1616 with glutamine.
Molecular consequence: missense variant.
Genome position (GRCh38, 1-based): chr5:112,840,440, A>C. VCF-style: chr5-112840440-A-C. GRCh37 (hg19) VCF-style: chr5-112176137-A-C.
Other names: c.4846A>C, p.Lys1616Gln (NM_001127510.3, NM_001354895.2); c.4792A>C, p.Lys1598Gln (NM_001127511.3); c.4900A>C, p.Lys1634Gln (NM_001354896.2); c.4876A>C, p.Lys1626Gln (NM_001354897.2); c.4771A>C, p.Lys1591Gln (NM_001354898.2); c.4762A>C, p.Lys1588Gln (NM_001354899.2); c.4723A>C, p.Lys1575Gln (NM_001354900.2); c.4669A>C, p.Lys1557Gln (NM_001354901.2); and 5 more; short protein forms K1598Q, K1616Q, K1333Q, K1525Q, K1588Q, K1591Q, K1634Q, K1575Q.
Identifiers: ClinVar variation 469978 (VCV000469978.13), dbSNP rs1554086240, ClinGen allele CA16031947.
Genomic context (GRCh38, chr5:112,840,440, plus strand): 5'-CAGACTGCTTCAAAATTACCTCCACCTGTGGCAAGGAAACCAAGTCAGCTGCCTGTGTAC[A>C]AACTTCTACCATCACAAAACAGGTTGCAACCCCAAAAGCATGTTAGTTTTACACCGGGGG-3'
Protein context (NP_000029.2, residues 1606-1626): ARKPSQLPVY[Lys1616Gln]LLPSQNRLQP

ClinVar aggregate classification (germline): Uncertain significance. Review status: criteria provided, multiple submitters, no conflicts (2 of 4 stars). 2 submissions from 2 submitters: Uncertain significance (2). Last evaluated 2025-02-02.

Conditions:
Familial adenomatous polyposis 1 (FAP1). Also called: POLYPOSIS, ADENOMATOUS INTESTINAL; FAMILIAL ADENOMATOUS POLYPOSIS 1, ATTENUATED. Identifiers: MedGen C2713442, MONDO:0021056, OMIM 175100. Disease mechanism: loss of function.
Hereditary cancer-predisposing syndrome. Also called: Hereditary neoplastic syndrome; Neoplastic Syndromes, Hereditary; Tumor predisposition; Hereditary Cancer Syndrome. Identifiers: Orphanet 140162, MedGen C0027672, MeSH D009386, MONDO:0015356.

gnomAD v4.1: 1 of 1,614,222 alleles (0.000062%); no homozygotes.

Submissions (2):

Ambry Genetics
Classification: Uncertain significance for Hereditary cancer-predisposing syndrome. Last evaluated: 2025-02-02. Review status: criteria provided, single submitter. Criteria: Ambry Variant Classification Scheme 2023. Collection method: clinical testing. Allele origin: germline.
Comment: The p.K1616Q variant (also known as c.4846A>C), located in coding exon 15 of the APC gene, results from an A to C substitution at nucleotide position 4846. The lysine at codon 1616 is replaced by glutamine, an amino acid with similar properties. This amino acid position is conserved. In addition, in silico predictors for this gene do not accurately predict pathogenicity. Based on the available evidence, the clinical significance of this variant remains unclear.

Labcorp Genetics (formerly Invitae), Labcorp
Classification: Uncertain significance for Familial adenomatous polyposis 1. Last evaluated: 2024-11-20. Review status: criteria provided, single submitter. Criteria: Invitae Variant Classification Sherloc (09022015). Collection method: clinical testing. Allele origin: germline.
Comment: This sequence change replaces lysine, which is basic and polar, with glutamine, which is neutral and polar, at codon 1616 of the APC protein (p.Lys1616Gln). This variant is not present in population databases (gnomAD no frequency). This variant has not been reported in the literature in individuals affected with APC-related conditions. ClinVar contains an entry for this variant (Variation ID: 469978). Invitae Evidence Modeling of protein sequence and biophysical properties (such as structural, functional, and spatial information, amino acid conservation, physicochemical variation, residue mobility, and thermodynamic stability) indicates that this missense variant is not expected to disrupt APC protein function with a negative predictive value of 95%. In summary, the available evidence is currently insufficient to determine the role of this variant in disease. Therefore, it has been classified as a Variant of Uncertain Significance.